The following is an entry in ClinVar:

NM_032444.4(SLX4):c.2743G>A (p.Glu915Lys)

Gene: SLX4 (SLX4 structure-specific endonuclease subunit; minus strand). Cytogenetic location: 16p13.3.
Variant type: single nucleotide variant.
Coding change: c.2743G>A on transcript NM_032444.4 (MANE Select); coding-DNA position 2743, G replaced by A.
Protein change: p.Glu915Lys; replaces glutamic acid 915 with lysine.
Molecular consequence: missense variant.
Genome position (GRCh38, 1-based): chr16:3,590,895, C>T on the plus strand (G>A on the coding strand, the complement: SLX4 is on the minus strand). VCF-style: chr16-3590895-C-T. GRCh37 (hg19) VCF-style: chr16-3640896-C-T.
Other names: short protein forms E915K.
Identifiers: ClinVar variation 3619646 (VCV003619646.2).

ClinVar aggregate classification (germline): Uncertain significance (1 of 4 stars; one submission).

Conditions:
Fanconi anemia (FA). Also called: Fanconi's anemia. Identifiers: Orphanet 84, MedGen C0015625, MeSH D005199, MONDO:0019391.

gnomAD v4.1: 2 of 1,614,086 alleles (0.00012%); highest among the groups gnomAD compares: South Asian, 0.0011%; no homozygotes.

Submission:

Labcorp Genetics (formerly Invitae), Labcorp
Classification: Uncertain significance for Fanconi anemia. Last evaluated: 2024-06-22. Review status: criteria provided, single submitter. Criteria: Invitae Variant Classification Sherloc (09022015). Collection method: clinical testing. Allele origin: germline.
Comment: This sequence change replaces glutamic acid, which is acidic and polar, with lysine, which is basic and polar, at codon 915 of the SLX4 protein (p.Glu915Lys). This variant is present in population databases (rs773444313, gnomAD 0.003%). This variant has not been reported in the literature in individuals affected with SLX4-related conditions. Algorithms developed to predict the effect of missense changes on protein structure and function output the following: SIFT: "Not Available"; PolyPhen-2: "Benign"; Align-GVGD: "Not Available". The lysine amino acid residue is found in multiple mammalian species, which suggests that this missense change does not adversely affect protein function. In summary, the available evidence is currently insufficient to determine the role of this variant in disease. Therefore, it has been classified as a Variant of Uncertain Significance.